The following is an entry in ClinVar:

NM_015272.5(RPGRIP1L):c.2015A>G (p.Tyr672Cys)

Gene: RPGRIP1L (RPGRIP1 like; minus strand). Cytogenetic location: 16q12.2.
Variant type: single nucleotide variant.
Coding change: c.2015A>G on transcript NM_015272.5 (MANE Select); coding-DNA position 2015, A replaced by G.
Protein change: p.Tyr672Cys; replaces tyrosine 672 with cysteine.
Molecular consequence: missense variant.
Genome position (GRCh38, 1-based): chr16:53,652,672, T>C on the plus strand (A>G on the coding strand, the complement: RPGRIP1L is on the minus strand). VCF-style: chr16-53652672-T-C. GRCh37 (hg19) VCF-style: chr16-53686584-T-C.
Other names: c.2015A>G, p.Tyr672Cys (NM_001127897.4, NM_001308334.3, NM_001330538.2); short protein forms Y672C.
Identifiers: ClinVar variation 1690857 (VCV001690857.2), dbSNP rs1203965149, ClinGen allele CA395916835.

ClinVar aggregate classification (germline): Uncertain significance (1 of 4 stars; one submission).

Allele frequency attached by ClinVar (database versions not stated): gnomAD exomes below 0.00001; gnomAD 0.00001.

Submission:

Laboratorio de Genetica e Diagnostico Molecular, Hospital Israelita Albert Einstein
Classification: Uncertain significance. Last evaluated: 2020-04-14. Review status: criteria provided, single submitter. Criteria: ACMG Guidelines, 2015. Collection method: clinical testing. Allele origin: germline. Affected: yes.
Comment: ACMG classification criteria: PM2, PP3